The following is an entry in ClinVar:

ClinVar aggregate classification (germline): Pathogenic (1 of 4 stars; one submission).

Conditions:
Fanconi anemia (FA). Also called: Fanconi's anemia. Identifiers: Orphanet 84, MedGen C0015625, MeSH D005199, MONDO:0019391.

Submission:

Labcorp Genetics (formerly Invitae), Labcorp
Classification: Pathogenic for Fanconi anemia. Last evaluated: 2022-10-11. Review status: criteria provided, single submitter. Criteria: Invitae Variant Classification Sherloc (09022015). Collection method: clinical testing. Allele origin: germline.
Comment: This variant has not been reported in the literature in individuals affected with SLX4-related conditions. For these reasons, this variant has been classified as Pathogenic. This variant is not present in population databases (gnomAD no frequency). This sequence change creates a premature translational stop signal (p.Gln518*) in the SLX4 gene. It is expected to result in an absent or disrupted protein product. Loss-of-function variants in SLX4 are known to be pathogenic (PMID: 21240277).

Literature cited by the submitters: PubMed 21240277.

NM_032444.4(SLX4):c.1552C>T (p.Gln518Ter)

Gene: SLX4 (SLX4 structure-specific endonuclease subunit; minus strand). Cytogenetic location: 16p13.3.
Variant type: single nucleotide variant.
Coding change: c.1552C>T on transcript NM_032444.4 (MANE Select); coding-DNA position 1552, C replaced by T.
Protein change: p.Gln518Ter; replaces glutamine 518 with a stop codon.
Molecular consequence: nonsense.
Genome position (GRCh38, 1-based): chr16:3,597,510, G>A on the plus strand (C>T on the coding strand, the complement: SLX4 is on the minus strand). VCF-style: chr16-3597510-G-A. GRCh37 (hg19) VCF-style: chr16-3647511-G-A.
Other names: short protein forms Q518*.
Identifiers: ClinVar variation 1928491 (VCV001928491.5), dbSNP rs2548218922, ClinGen allele CA394528829.